The following is an entry in ClinVar:

ClinVar aggregate classification (germline): Uncertain significance (1 of 4 stars; one submission).

Conditions:
Charcot-Marie-Tooth disease, type I (CMT1). Also called: Charcot-Marie-Tooth, Type 1; Charcot-Marie-Tooth disease type 1. Identifiers: Orphanet 65753, MedGen C0751036, MONDO:0019011.

Allele frequency attached by ClinVar (database versions not stated): gnomAD exomes below 0.00001.
gnomAD v4.1: 1 of 1,614,088 alleles (0.000062%); highest among the groups gnomAD compares: Non-Finnish European, 0.000085%; no homozygotes.

Submission:

Labcorp Genetics (formerly Invitae), Labcorp
Classification: Uncertain significance for Charcot-Marie-Tooth disease, type I. Last evaluated: 2021-10-23. Review status: criteria provided, single submitter. Criteria: Invitae Variant Classification Sherloc (09022015). Collection method: clinical testing. Allele origin: germline.
Comment: This sequence change replaces alanine, which is neutral and non-polar, with serine, which is neutral and polar, at codon 139 of the EGR2 protein (p.Ala139Ser). This variant is not present in population databases (gnomAD no frequency). This variant has not been reported in the literature in individuals affected with EGR2-related conditions. Algorithms developed to predict the effect of missense changes on protein structure and function are either unavailable or do not agree on the potential impact of this missense change (SIFT: "Not Available"; PolyPhen-2: "Benign"; Align-GVGD: "Not Available"). In summary, the available evidence is currently insufficient to determine the role of this variant in disease. Therefore, it has been classified as a Variant of Uncertain Significance.

NM_000399.5(EGR2):c.415G>T (p.Ala139Ser)

Gene: EGR2 (early growth response 2; minus strand). Cytogenetic location: 10q21.3.
Variant type: single nucleotide variant.
Coding change: c.415G>T on transcript NM_000399.5 (MANE Select); coding-DNA position 415, G replaced by T.
Protein change: p.Ala139Ser; replaces alanine 139 with serine.
Molecular consequence: missense variant.
Genome position (GRCh38, 1-based): chr10:62,814,223, C>A on the plus strand (G>T on the coding strand, the complement: EGR2 is on the minus strand). VCF-style: chr10-62814223-C-A. GRCh37 (hg19) VCF-style: chr10-64573983-C-A.
Other names: c.415G>T, p.Ala139Ser (NM_001136177.3, NM_001136178.2); c.265G>T, p.Ala89Ser (NM_001136179.3, NM_001321037.2); short protein forms A139S, A89S.
Identifiers: ClinVar variation 1346724 (VCV001346724.6), dbSNP rs2132706614, ClinGen allele CA377030723.